The following is an entry in ClinVar:

ClinVar aggregate classification (germline): Pathogenic. Review status: criteria provided, multiple submitters, no conflicts (2 of 4 stars). 9 submissions from 9 submitters: Pathogenic (7). 2 of the submissions do not count toward it. Last evaluated 2025-09-24.

Conditions:
MAT1A-related disorder. Also called: MAT1A-related condition.
Hepatic methionine adenosyltransferase deficiency. Also called: Isolated Persistent Hypermethioninemia; MAT I/III DEFICIENCY; Methionine adenosyltransferase deficiency; Deficiency of methionine adenosyltransferase. Identifiers: Orphanet 168598, MedGen C0268621, MeSH C564683, MONDO:0009607, OMIM 250850.

Allele frequency attached by ClinVar (database versions not stated): gnomAD exomes below 0.00001; ExAC 0.00001.

Submissions (9):

Genesolutions, Medical Genetics Institutes, Ho Chi Minh City, Vietnam
Classification: Pathogenic for Hepatic methionine adenosyltransferase deficiency. Last evaluated: 2025-09-24. Review status: criteria provided, single submitter. Criteria: ACMG Guidelines, 2015. Collection method: clinical testing. Allele origin: germline. Affected: yes.

Labcorp Genetics (formerly Invitae), Labcorp
Classification: Pathogenic for Hepatic methionine adenosyltransferase deficiency. Last evaluated: 2025-05-07. Review status: criteria provided, single submitter. Criteria: Invitae Variant Classification Sherloc (09022015). Collection method: clinical testing. Allele origin: germline.
Comment: This sequence change replaces arginine, which is basic and polar, with histidine, which is basic and polar, at codon 264 of the MAT1A protein (p.Arg264His). The frequency data for this variant in the population databases is considered unreliable, as metrics indicate poor data quality at this position in the gnomAD database. This missense change has been observed in individuals with autosomal dominant hypermethioninemia (PMID: 9042912, 18500573, 23430947, 24445979, 25638462). It has also been observed to segregate with disease in related individuals. ClinVar contains an entry for this variant (Variation ID: 1208). Invitae Evidence Modeling of protein sequence and biophysical properties (such as structural, functional, and spatial information, amino acid conservation, physicochemical variation, residue mobility, and thermodynamic stability) indicates that this missense variant is expected to disrupt MAT1A protein function with a positive predictive value of 80%. Experimental studies have shown that this missense change affects MAT1A function (PMID: 9042912, 11278456, 23425511). For these reasons, this variant has been classified as Pathogenic.

GeneDx
Classification: Pathogenic. Last evaluated: 2024-09-12. Review status: criteria provided, single submitter. Criteria: GeneDx Variant Classification Process June 2021. Collection method: clinical testing. Allele origin: germline. Affected: yes.
Comment: Observed frequently in unrelated patients from different ethnic backgrounds with autosomal dominant inheritance of methionine adenosyltransferase I/III (MAT I/III) deficiency (PMID: 23993429, 9042912, 10677294, 18500573, 15935930); R264/R264H MAT alpha-1 heterodimers are enzymatically inactive; therefore, R264H has a dominant negative effect on the MAT enzyme (PMID: 9042912); In silico analysis supports that this missense variant has a deleterious effect on protein structure/function; Not observed at significant frequency in large population cohorts (gnomAD); This variant is associated with the following publications: (PMID: 15935930, 25762406, 27671891, 28748147, 26933843, 18500573, 10677294, 24231718, 11278456, 10674710, 22951388, 29186975, 31641591, 32335878, 36704196, 38582244, 32778825, 34948004, 32496220, 35281663, 32980525, 35760084, 38784038, 38535129, 37817461, 38061323, 23993429, 9042912)

Revvity Omics, Revvity
Classification: Pathogenic for Hepatic methionine adenosyltransferase deficiency. Last evaluated: 2023-05-31. Review status: criteria provided, single submitter. Criteria: ACMG Guidelines, 2015. Collection method: clinical testing. Allele origin: germline.

Blueprint Genetics
Classification: Pathogenic for MAT1A-related disorders. Last evaluated: 2022-06-03. Review status: criteria provided, single submitter. Criteria: ACMG Guidelines, 2015. Collection method: clinical testing. Allele origin: germline. Affected: yes. Observed: 1 variant allele.

CeGaT Center for Human Genetics Tuebingen
Classification: Pathogenic. Last evaluated: 2021-01-01. Review status: criteria provided, single submitter. Criteria: CeGaT Center For Human Genetics Tuebingen Variant Classification Criteria Version 2. Collection method: clinical testing. Allele origin: germline. Affected: yes. Observed: 1 variant allele.

Clinical Genetics Service, Universitary Hospital 12 de Octubre
Classification: Pathogenic for Hepatic methionine adenosyltransferase deficiency. Review status: criteria provided, single submitter. Criteria: ACMG Guidelines, 2015. Collection method: clinical testing. Allele origin: germline. Affected: yes.

OMIM
Classification: Pathogenic for METHIONINE ADENOSYLTRANSFERASE I/III DEFICIENCY, AUTOSOMAL DOMINANT. Last evaluated: 1997-03-01. Review status: no assertion criteria provided. Collection method: literature only. Allele origin: germline. Not counted in ClinVar's aggregate classification.

Neonatal Disease Screening Center, Medical Genetics Center, Huaihua City Maternal and Child Health Care Hospital
Classification: Pathogenic for Hepatic methionine adenosyltransferase deficiency. Review status: no assertion criteria provided. Criteria: ACMG Guidelines, 2015. Collection method: clinical testing. Allele origin: germline. Affected: yes. Observed: 1 variant allele. Not counted in ClinVar's aggregate classification.
Comment: PS3+PS4+PM2_P+PP1_S+PP3+PP4

Literature cited by the submitters: PubMed 9042912 (cited by Labcorp Genetics (formerly Invitae), Labcorp and OMIM); PubMed 18500573 (cited by Labcorp Genetics (formerly Invitae), Labcorp); PubMed 23430947 (cited by Labcorp Genetics (formerly Invitae), Labcorp); PubMed 24445979 (cited by Labcorp Genetics (formerly Invitae), Labcorp); PubMed 25638462 (cited by Labcorp Genetics (formerly Invitae), Labcorp); PubMed 11278456 (cited by Labcorp Genetics (formerly Invitae), Labcorp); PubMed 23425511 (cited by Labcorp Genetics (formerly Invitae), Labcorp); PubMed 1527987 (cited by OMIM); PubMed 7573050 (cited by OMIM).

NM_000429.3(MAT1A):c.791G>A (p.Arg264His)

Gene: MAT1A (methionine adenosyltransferase 1A; minus strand). Cytogenetic location: 10q22.3.
Variant type: single nucleotide variant.
Coding change: c.791G>A on transcript NM_000429.3 (MANE Select); coding-DNA position 791, G replaced by A.
Protein change: p.Arg264His; replaces arginine 264 with histidine.
Molecular consequence: missense variant.
Genome position (GRCh38, 1-based): chr10:80,275,177, C>T on the plus strand (G>A on the coding strand, the complement: MAT1A is on the minus strand). VCF-style: chr10-80275177-C-T. GRCh37 (hg19) VCF-style: chr10-82034933-C-T.
Other names: short protein forms R264H.
Identifiers: ClinVar variation 1208 (VCV000001208.56), dbSNP rs72558181, ClinGen allele CA114840.